The following is an entry in ClinVar:

ClinVar aggregate classification (germline): Likely pathogenic (1 of 4 stars; one submission).

Conditions:
TMEM222-related disorder. Also called: TMEM222-related condition.

gnomAD v4.1: 1 of 1,613,318 alleles (0.000062%); no homozygotes.

Submission:

PreventionGenetics, part of Exact Sciences
Classification: Likely pathogenic for TMEM222-related condition. Last evaluated: 2025-12-11. Review status: criteria provided, single submitter. Criteria: ACMG Guidelines, 2015. Collection method: clinical testing. Allele origin: germline.
Comment: The TMEM222 c.312-2A>G variant is predicted to disrupt the AG splice acceptor site and interfere with normal splicing. To our knowledge, this variant has not been reported in the literature or in a large population database (gnomAD), indicating this variant is rare. Variants that disrupt the consensus splice acceptor site in TMEM222 are expected to be pathogenic. This variant is interpreted as likely pathogenic.

NM_032125.3(TMEM222):c.312-2A>G

Gene: TMEM222 (transmembrane protein 222; plus strand). Cytogenetic location: 1p36.11.
Variant type: single nucleotide variant.
Coding change: c.312-2A>G on transcript NM_032125.3 (MANE Select); the canonical splice acceptor site of the intron before coding-DNA position 312, A replaced by G.
Molecular consequence: splice acceptor variant.
Genome position (GRCh38, 1-based): chr1:27,333,956, A>G. VCF-style: chr1-27333956-A-G. GRCh37 (hg19) VCF-style: chr1-27660447-A-G.
Identifiers: ClinVar variation 4981388 (VCV004981388.1).